The following is an entry in ClinVar:

ClinVar aggregate classification (germline): Uncertain significance. Review status: criteria provided, multiple submitters, no conflicts (2 of 4 stars). 6 submissions from 6 submitters: Uncertain significance (6). Last evaluated 2026-04-28.

Conditions:
Hypertrophic cardiomyopathy. Also called: HYPERTROPHIC MYOCARDIOPATHY. Identifiers: Orphanet 217569, MedGen C0007194, MeSH D002312, MONDO:0005045, HP:0001639.
Cardiomyopathy (CMYO). Also called: Cardiomyopathies. Identifiers: Orphanet 167848, MedGen C0878544, MONDO:0004994, HP:0001638. Inheritance: Various modes of inheritance.
Hypertrophic cardiomyopathy 10. Also called: CARDIOMYOPATHY, HYPERTROPHIC, MID-LEFT VENTRICULAR CHAMBER TYPE, 2; MYL2-Related Familial Hypertrophic Cardiomyopathy. Identifiers: MedGen C1834460, MONDO:0012112, OMIM 608758.
Cardiovascular phenotype. Identifiers: MedGen CN230736.

Allele frequency attached by ClinVar (database versions not stated): TOPMed 0.00004; gnomAD 0.00001 and 0.00002.
gnomAD v4.1: 36 of 1,613,724 alleles (0.0022%); highest among the groups gnomAD compares: Admixed American, 0.0033%; no homozygotes.

Submissions (6):

Women's Health and Genetics/Laboratory Corporation of America, LabCorp
Classification: Uncertain significance. Last evaluated: 2026-04-28. Review status: criteria provided, single submitter. Criteria: LabCorp Variant Classification Summary - May 2015. Collection method: clinical testing. Allele origin: germline.
Comment: Variant summary: MYL2 c.430C>G (p.Pro144Ala) results in a non-conservative amino acid change in the encoded protein sequence. Algorithms developed to predict the effect of missense changes on protein structure and function are either unavailable or do not agree on the potential impact of this missense change. The variant allele was found at a frequency of 5.6e-05 in 248888 control chromosomes. This frequency is not significantly higher than estimated for disease-causing variants in MYL2, allowing no conclusion about variant significance. c.430C>G has been observed in at least two individuals affected with Hypertrophic Cardiomyopathy (Caroselli_2025). This report does not provide unequivocal conclusions about association of the variant with Hypertrophic Cardiomyopathy. To our knowledge, no experimental evidence demonstrating an impact on protein function has been reported. The following publication has been ascertained in the context of this evaluation (PMID: 41357762). ClinVar contains an entry for this variant (Variation ID: 628393). Based on the evidence outlined above, the variant was classified as uncertain significance.

Labcorp Genetics (formerly Invitae), Labcorp
Classification: Uncertain significance for Hypertrophic cardiomyopathy 10. Last evaluated: 2025-11-18. Review status: criteria provided, single submitter. Criteria: Invitae Variant Classification Sherloc (09022015). Collection method: clinical testing. Allele origin: germline.
Comment: This sequence change replaces proline, which is neutral and non-polar, with alanine, which is neutral and non-polar, at codon 144 of the MYL2 protein (p.Pro144Ala). This variant is present in population databases (rs777689913, gnomAD 0.009%). This variant has not been reported in the literature in individuals affected with MYL2-related conditions. ClinVar contains an entry for this variant (Variation ID: 628393). An algorithm developed to predict the effect of missense changes on protein structure and function (PolyPhen-2) suggests that this variant is likely to be disruptive. In summary, the available evidence is currently insufficient to determine the role of this variant in disease. Therefore, it has been classified as a Variant of Uncertain Significance.

Ambry Genetics
Classification: Uncertain significance for Cardiovascular phenotype. Last evaluated: 2024-09-03. Review status: criteria provided, single submitter. Criteria: Ambry Variant Classification Scheme 2023. Collection method: clinical testing. Allele origin: germline.

Color Diagnostics, LLC DBA Color Health
Classification: Uncertain significance for Cardiomyopathy. Last evaluated: 2024-03-06. Review status: criteria provided, single submitter. Criteria: ACMG Guidelines, 2015. Collection method: clinical testing. Allele origin: germline.
Comment: This missense variant replaces proline with alanine at codon 144 of the MYL2 protein. Computational prediction is inconclusive regarding the impact of this variant on protein structure and function (internally defined REVEL score threshold 0.5 < inconclusive < 0.7, PMID: 27666373). To our knowledge, functional studies have not been reported for this variant. This variant has not been reported in individuals affected with MYL2-related disorders in the literature. This variant has been identified in 15/280230 chromosomes in the general population by the Genome Aggregation Database (gnomAD). The available evidence is insufficient to determine the role of this variant in disease conclusively. Therefore, this variant is classified as a Variant of Uncertain Significance.

All of Us Research Program, National Institutes of Health
Classification: Uncertain significance for Hypertrophic cardiomyopathy. Last evaluated: 2023-11-30. Review status: criteria provided, single submitter. Criteria: ACMG Guidelines, 2015. Collection method: clinical testing. Allele origin: germline. Inheritance: Autosomal dominant inheritance. Observed: 8 variant alleles, 8 heterozygotes.
Comment: This missense variant replaces proline with alanine at codon 144 of the MYL2 protein. Computational prediction is inconclusive regarding the impact of this variant on protein structure and function (internally defined REVEL score threshold 0.5 < inconclusive < 0.7, PMID: 27666373). To our knowledge, functional studies have not been reported for this variant. This variant has not been reported in individuals affected with cardiovascular disorders in the literature. This variant has been identified in 15/280230 chromosomes in the general population by the Genome Aggregation Database (gnomAD). The available evidence is insufficient to determine the role of this variant in disease conclusively. Therefore, this variant is classified as a Variant of Uncertain Significance.

This study involves interpretation of variants in research participants for the purpose of population health screening. Participant phenotype was not available at the time of variant classification. Additional details can be found in publication PMID: 35346344, PMCID: PMC8962531

CHEO Genetics Diagnostic Laboratory, Children's Hospital of Eastern Ontario
Classification: Uncertain significance for Cardiomyopathy. Last evaluated: 2021-06-01. Review status: criteria provided, single submitter. Criteria: ACMG Guidelines, 2015. Collection method: clinical testing. Allele origin: germline.

Literature cited by the submitters: PubMed 41357762 (cited by Women's Health and Genetics/Laboratory Corporation of America, LabCorp).

NM_000432.4(MYL2):c.430C>G (p.Pro144Ala)

Gene: MYL2 (myosin light chain 2; minus strand). Cytogenetic location: 12q24.11.
Variant type: single nucleotide variant.
Coding change: c.430C>G on transcript NM_000432.4 (MANE Select); coding-DNA position 430, C replaced by G.
Protein change: p.Pro144Ala; replaces proline 144 with alanine.
Molecular consequence: missense variant.
Genome position (GRCh38, 1-based): chr12:110,911,148, G>C on the plus strand (C>G on the coding strand, the complement: MYL2 is on the minus strand). VCF-style: chr12-110911148-G-C. GRCh37 (hg19) VCF-style: chr12-111348952-G-C.
Other names: short protein forms P144A.
Identifiers: ClinVar variation 628393 (VCV000628393.16), dbSNP rs777689913, ClinGen allele CA043003.